The following is an entry in ClinVar:

NC_000009.11:g.(?_676973)_(677029_?)del

Gene: KANK1 (KN motif and ankyrin repeat domains 1; plus strand). Cytogenetic location: 9p24.3.
Variant type: Deletion.
Identifiers: ClinVar variation 1433674 (VCV001433674.4).

ClinVar aggregate classification (germline): Uncertain significance (1 of 4 stars; one submission).

Submission:

Labcorp Genetics (formerly Invitae), Labcorp
Classification: Uncertain significance. Last evaluated: 2022-10-24. Review status: criteria provided, single submitter. Criteria: Invitae Variant Classification Sherloc (09022015). Collection method: clinical testing. Allele origin: germline.
Comment: This variant is a gross deletion of the genomic region encompassing exon(s) 2 of the KANK1 gene, which includes the initiator codon. This deletion extends beyond the assayed region for this gene and therefore may encompass additional genes. It is expected to result in an absent or disrupted protein product. However, the current clinical and genetic evidence is not sufficient to establish whether loss-of-function variants in KANK1 cause disease. This variant has not been reported in the literature in individuals affected with KANK1-related conditions. In summary, the available evidence is currently insufficient to determine the role of this variant in disease. Therefore, it has been classified as a Variant of Uncertain Significance.